The following is an entry in ClinVar:

ClinVar aggregate classification (germline): Uncertain significance. Review status: criteria provided, multiple submitters, no conflicts (2 of 4 stars). 3 submissions from 3 submitters: Uncertain significance (3). Last evaluated 2026-02-27.

Conditions:
Inborn genetic diseases. Identifiers: MedGen C0950123, MeSH D030342.

Allele frequency attached by ClinVar (database versions not stated): gnomAD exomes 0.00006 and 0.00010; ExAC 0.00012; 1000 Genomes Project 30x 0.00016; 1000 Genomes Project 0.00020; TOPMed 0.00020; gnomAD 0.00022 and 0.00023; ESP Exome Variant Server 0.00024.
gnomAD v4.1: 120 of 1,614,028 alleles (0.0074%); highest among the groups gnomAD compares: African/African-American, 0.056%; no homozygotes.

Submissions (3):

Women's Health and Genetics/Laboratory Corporation of America, LabCorp
Classification: Uncertain significance. Last evaluated: 2026-02-27. Review status: criteria provided, single submitter. Criteria: LabCorp Variant Classification Summary - May 2015. Collection method: clinical testing. Allele origin: germline.
Comment: Variant summary: AP3D1 c.3596C>T (p.Thr1199Met) results in a non-conservative amino acid change in the encoded protein sequence. Algorithms developed to predict the effect of missense changes on protein structure and function are either unavailable or do not agree on the potential impact of this missense change. The variant allele was found at a frequency of 0.0001 in 248524 control chromosomes. This frequency is not significantly higher than estimated for disease-causing variants in AP3D1, allowing no conclusion about variant significance. To our knowledge, no occurrence of c.3596C>T in individuals affected with AP3D1-related conditions and no experimental evidence demonstrating its impact on protein function have been reported. ClinVar contains an entry for this variant (Variation ID: 1343530). Based on the evidence outlined above, the variant was classified as uncertain significance.

Labcorp Genetics (formerly Invitae), Labcorp
Classification: Uncertain significance. Last evaluated: 2026-01-27. Review status: criteria provided, single submitter. Criteria: Invitae Variant Classification Sherloc (09022015). Collection method: clinical testing. Allele origin: germline.
Comment: This sequence change replaces threonine, which is neutral and polar, with methionine, which is neutral and non-polar, at codon 1199 of the AP3D1 protein (p.Thr1199Met). This variant is present in population databases (rs200727342, gnomAD 0.08%). This variant has not been reported in the literature in individuals affected with AP3D1-related conditions. ClinVar contains an entry for this variant (Variation ID: 1343530). An algorithm developed to predict the effect of missense changes on protein structure and function (PolyPhen-2) suggests that this variant is likely to be disruptive. In summary, the available evidence is currently insufficient to determine the role of this variant in disease. Therefore, it has been classified as a Variant of Uncertain Significance.

Ambry Genetics
Classification: Uncertain significance for Inborn genetic diseases. Last evaluated: 2021-10-14. Review status: criteria provided, single submitter. Criteria: Ambry Variant Classification Scheme 2023. Collection method: clinical testing. Allele origin: germline.

NM_001261826.3(AP3D1):c.3596C>T (p.Thr1199Met)

Gene: AP3D1 (adaptor related protein complex 3 subunit delta 1; minus strand). Cytogenetic location: 19p13.3.
Variant type: single nucleotide variant.
Coding change: c.3596C>T on transcript NM_001261826.3 (MANE Select); coding-DNA position 3596, C replaced by T.
Protein change: p.Thr1199Met; replaces threonine 1199 with methionine.
Molecular consequence: missense variant.
Genome position (GRCh38, 1-based): chr19:2,102,225, G>A on the plus strand (C>T on the coding strand, the complement: AP3D1 is on the minus strand). VCF-style: chr19-2102225-G-A. GRCh37 (hg19) VCF-style: chr19-2102224-G-A.
Other names: c.3410C>T (NM_003938.5); c.3560C>T, p.Thr1187Met (NM_001374799.1); c.3410C>T, p.Thr1137Met (NM_003938.8); short protein forms T1137M, T1187M, T1199M.
Identifiers: ClinVar variation 1343530 (VCV001343530.9), dbSNP rs200727342, ClinGen allele CA9058311.